The following is an entry in ClinVar:

NM_199420.4(POLQ):c.3317A>G (p.Lys1106Arg)

Gene: POLQ (DNA polymerase theta; minus strand). Cytogenetic location: 3q13.33.
Variant type: single nucleotide variant.
Coding change: c.3317A>G on transcript NM_199420.4 (MANE Select); coding-DNA position 3317, A replaced by G.
Protein change: p.Lys1106Arg; replaces lysine 1106 with arginine.
Molecular consequence: missense variant.
Genome position (GRCh38, 1-based): chr3:121,489,614, T>C on the plus strand (A>G on the coding strand, the complement: POLQ is on the minus strand). VCF-style: chr3-121489614-T-C. GRCh37 (hg19) VCF-style: chr3-121208461-T-C.
Other names: short protein forms K1106R.
Identifiers: ClinVar variation 1730143 (VCV001730143.2), dbSNP rs760441927, ClinGen allele CA2563078.
Genomic context (GRCh38, chr3:121,489,614, plus strand): 5'-ATGTTCCATGAACAATTTTGCTTTATTTGTAATGGGAATGATGTTTTATTATCTTTTTCC[T>C]TACCACTCAAAGATACATTTTTAGCAAATGGCCCTGAATTTCTAAATTCCGTTTTCTTCT-3'
Protein context (NP_955452.3, residues 1096-1116): PFAKNVSLSG[Lys1106Arg]EKDNKTSFPL

ClinVar aggregate classification (germline): Uncertain significance (1 of 4 stars; one submission).

Allele frequency attached by ClinVar (database versions not stated): gnomAD exomes below 0.00001; ExAC 0.00002; gnomAD 0.00002; TOPMed 0.00003.
gnomAD v4.1: 20 of 1,613,714 alleles (0.0012%); highest among the groups gnomAD compares: African/African-American, 0.008%; no homozygotes.

Submission:

Ambry Genetics
Classification: Uncertain significance. Last evaluated: 2022-09-08. Review status: criteria provided, single submitter. Criteria: Ambry Variant Classification Scheme 2023. Collection method: clinical testing. Allele origin: germline.
Comment: The p.K1106R variant (also known as c.3317A>G), located in coding exon 16 of the POLQ gene, results from an A to G substitution at nucleotide position 3317. The lysine at codon 1106 is replaced by arginine, an amino acid with highly similar properties. This amino acid position is conserved. In addition, this alteration is predicted to be tolerated by in silico analysis. Since supporting evidence is limited at this time, the clinical significance of this alteration remains unclear.